The following is an entry in ClinVar:

NM_001330260.2(SCN8A):c.3926G>A (p.Arg1309Gln)

Gene: SCN8A (sodium voltage-gated channel alpha subunit 8; plus strand). Cytogenetic location: 12q13.13.
Variant type: single nucleotide variant.
Coding change: c.3926G>A on transcript NM_001330260.2 (MANE Select); coding-DNA position 3926, G replaced by A.
Protein change: p.Arg1309Gln; replaces arginine 1309 with glutamine.
Molecular consequence: missense variant. On other transcripts: intron variant (2).
Genome position (GRCh38, 1-based): chr12:51,780,755, G>A. VCF-style: chr12-51780755-G-A. GRCh37 (hg19) VCF-style: chr12-52174539-G-A.
Other names: c.3926G>A, p.Arg1309Gln (NM_014191.4); c.3820-5787G>A (NM_001177984.3, NM_001369788.1); short protein forms R1309Q.
Identifiers: ClinVar variation 955372 (VCV000955372.16), dbSNP rs201255617, ClinGen allele CA236325809.

ClinVar aggregate classification (germline): Conflicting classifications of pathogenicity. Review status: criteria provided, conflicting classifications (1 of 4 stars). 4 submissions from 4 submitters: Pathogenic (1); Likely pathogenic (2); Uncertain significance (1). Last evaluated 2025-07-25.

Conditions:
Early-infantile DEE. Also called: Early infantile epileptic encephalopathy with suppression bursts; Ohtahara syndrome; Early infantile epileptic encephalopathy. Identifiers: Orphanet 1934, MedGen C0393706, MONDO:0800491.
SCN8A-related disorder.
Seizures, benign familial infantile, 5 (BFIS5). Also called: CONVULSIONS, BENIGN FAMILIAL INFANTILE, 5. Identifiers: Orphanet 306, MedGen C4310728, MONDO:0014903, OMIM 617080.

Allele frequency attached by ClinVar (database versions not stated): gnomAD exomes below 0.00001; TOPMed below 0.00001.
gnomAD v4.1: 1 of 1,587,822 alleles (0.000063%); highest among the groups gnomAD compares: Non-Finnish European, 0.000085%; no homozygotes.

Submissions (4):

GeneDx
Classification: Pathogenic. Last evaluated: 2025-07-25. Review status: criteria provided, single submitter. Criteria: GeneDx Variant Classification Process June 2021. Collection method: clinical testing. Allele origin: germline.
Comment: Not observed at significant frequency in large population cohorts (gnomAD); In silico analysis supports that this missense variant has a deleterious effect on protein structure/function; This variant is associated with the following publications: (PMID: 37596007)

Labcorp Genetics (formerly Invitae), Labcorp
Classification: Uncertain significance for Early-infantile DEE. Last evaluated: 2024-11-11. Review status: criteria provided, single submitter. Criteria: Invitae Variant Classification Sherloc (09022015). Collection method: clinical testing. Allele origin: germline.
Comment: This sequence change replaces arginine, which is basic and polar, with glutamine, which is neutral and polar, at codon 1309 of the SCN8A protein (p.Arg1309Gln). This variant is not present in population databases (gnomAD no frequency). This variant has not been reported in the literature in individuals affected with SCN8A-related conditions. ClinVar contains an entry for this variant (Variation ID: 955372). Invitae Evidence Modeling of protein sequence and biophysical properties (such as structural, functional, and spatial information, amino acid conservation, physicochemical variation, residue mobility, and thermodynamic stability) indicates that this missense variant is expected to disrupt SCN8A protein function with a positive predictive value of 95%. Algorithms developed to predict the effect of sequence changes on RNA splicing suggest that this variant may disrupt the consensus splice site. In summary, the available evidence is currently insufficient to determine the role of this variant in disease. Therefore, it has been classified as a Variant of Uncertain Significance.

Blueprint Genetics
Classification: Likely pathogenic for SCN8A-related disorders. Last evaluated: 2024-09-12. Review status: criteria provided, single submitter. Criteria: ACMG Guidelines, 2015. Collection method: clinical testing. Allele origin: germline. Affected: yes. Observed: 1 variant allele.

Institute of Human Genetics Munich, TUM University Hospital
Classification: Likely pathogenic for Seizures, benign familial infantile, 5. Last evaluated: 2023-12-05. Review status: criteria provided, single submitter. Criteria: Classification criteria August 2017. Collection method: clinical testing. Allele origin: paternal. Inheritance: Autosomal dominant inheritance. Affected: yes. Observed: 1 variant allele.